The following is an entry in ClinVar:

NM_032609.3(COX4I2):c.1-6C>T

Gene: COX4I2 (cytochrome c oxidase subunit 4I2; plus strand). Cytogenetic location: 20q11.21.
Variant type: single nucleotide variant.
Coding change: c.1-6C>T on transcript NM_032609.3 (MANE Select); 6 bases into the intron before coding-DNA position 1, C replaced by T.
Molecular consequence: intron variant.
Genome position (GRCh38, 1-based): chr20:31,639,012, C>T. VCF-style: chr20-31639012-C-T. GRCh37 (hg19) VCF-style: chr20-30226815-C-T.
Identifiers: ClinVar variation 338031 (VCV000338031.44), dbSNP rs201853480, ClinGen allele CA9801838.

ClinVar aggregate classification (germline): Likely benign. Review status: criteria provided, multiple submitters, no conflicts (2 of 4 stars). 3 submissions from 3 submitters: Likely benign (3). Last evaluated 2024-03-01.

Allele frequency attached by ClinVar (database versions not stated): 1000 Genomes Project 30x 0.00031; 1000 Genomes Project 0.00040; ESP Exome Variant Server 0.00069; TOPMed 0.00080; ExAC 0.00189.

Submissions (3):

CeGaT Center for Human Genetics Tuebingen
Classification: Likely benign. Last evaluated: 2024-03-01. Review status: criteria provided, single submitter. Criteria: CeGaT Center For Human Genetics Tuebingen Variant Classification Criteria Version 2. Collection method: clinical testing. Allele origin: germline. Affected: yes. Observed: 3 variant alleles.
Comment: COX4I2: BP4, BS2

GeneDx
Classification: Likely benign. Last evaluated: 2018-05-21. Review status: criteria provided, single submitter. Criteria: GeneDx Variant Classification Process June 2021. Collection method: clinical testing. Allele origin: germline. Affected: yes.

Breakthrough Genomics
Classification: Likely benign. Review status: criteria provided, single submitter. Criteria: ACMG Guidelines, 2015. Collection method: not provided. Allele origin: germline. Inheritance: Autosomal recessive inheritance. Affected: yes.